The following is an entry in ClinVar:

ClinVar aggregate classification (germline): Pathogenic/Likely pathogenic. Review status: criteria provided, multiple submitters, no conflicts (2 of 4 stars). 2 submissions from 2 submitters: Pathogenic (1); Likely pathogenic (1). Last evaluated 2025-06-20.

Submissions (2):

Labcorp Genetics (formerly Invitae), Labcorp
Classification: Pathogenic. Last evaluated: 2025-06-20. Review status: criteria provided, single submitter. Criteria: Invitae Variant Classification Sherloc (09022015). Collection method: clinical testing. Allele origin: germline.
Comment: This sequence change creates a premature translational stop signal (p.Gly1329Profs*235) in the NOTCH3 gene. It is expected to result in an absent or disrupted protein product. Loss-of-function variants in NOTCH3 are known to be pathogenic (PMID: 25870235, 32980981, 38824264). This variant is not present in population databases (gnomAD no frequency). This variant has not been reported in the literature in individuals affected with NOTCH3-related conditions. For these reasons, this variant has been classified as Pathogenic.

Revvity Omics, Revvity
Classification: Likely pathogenic. Last evaluated: 2023-11-30. Review status: criteria provided, single submitter. Criteria: ACMG Guidelines, 2015. Collection method: clinical testing. Allele origin: germline.

Literature cited by the submitters: PubMed 25870235 (cited by Labcorp Genetics (formerly Invitae), Labcorp); PubMed 32980981 (cited by Labcorp Genetics (formerly Invitae), Labcorp); PubMed 38824264 (cited by Labcorp Genetics (formerly Invitae), Labcorp).

NM_000435.3(NOTCH3):c.3980_3983dup (p.Gly1329fs)

Gene: NOTCH3 (notch receptor 3; minus strand). Cytogenetic location: 19p13.12.
Variant type: Duplication.
Coding change: c.3980_3983dup on transcript NM_000435.3 (MANE Select); coding-DNA positions 3980 to 3983, 4 bases duplicated (TCCC; older notation c.3980_3983dupTCCC).
Protein change: p.Gly1329fs; shifts the reading frame from glycine 1329.
Molecular consequence: frameshift variant.
Genome position (GRCh38, 1-based): chr19:15,177,945-15,177,948, GGGA duplicated on the plus strand (TCCC on the coding strand, the reverse complement: NOTCH3 is on the minus strand). VCF-style (leftmost placement, unchanged base first): chr19-15177944-C-CGGGA. GRCh37 (hg19) VCF-style: chr19-15288755-C-CGGGA.
Other names: short protein forms G1329fs.
Identifiers: ClinVar variation 4081553 (VCV004081553.2).
Genomic context (GRCh38, chr19:15,177,944, plus strand): 5'-GCCCCCGTGGAGACAGGGGGCGGCCGCGCAGCTGGCGTTGCTGGCCCCCGGCGGCGACCC[C>CGGGA]GGGAAGCTGCGGCAGGAGGGTCCCGACAACCCTGGGGGGCAGGCGCAGCGCGGCCCGCGG-3'